The following is an entry in ClinVar:

NM_001378609.3(OTOGL):c.1890-1G>T

Gene: OTOGL (otogelin like; plus strand). Cytogenetic location: 12q21.31.
Variant type: single nucleotide variant.
Coding change: c.1890-1G>T on transcript NM_001378609.3 (MANE Select); the canonical splice acceptor site of the intron before coding-DNA position 1890, G replaced by T.
Molecular consequence: splice acceptor variant.
Genome position (GRCh38, 1-based): chr12:80,261,968, G>T. VCF-style: chr12-80261968-G-T. GRCh37 (hg19) VCF-style: chr12-80655748-G-T.
Other names: c.1890-1G>T (NM_001368062.3, NM_001378610.3, NM_173591.7).
Identifiers: ClinVar variation 432016 (VCV000432016.8), dbSNP rs777911261, ClinGen allele CA6700612.
Genomic context (GRCh38, chr12:80,261,968, plus strand): 5'-TGAAGGTTATGAACAAATGAATGAGAGATACATGAAGATGAGCATTGTCTTTGCTTTCTA[G>T]TTCTCCATCAGGCATGATAGAAGGTACACCACAACTTCACGCAAATGCGTGGAGAGTTTC-3'

ClinVar aggregate classification (germline): Likely pathogenic. Review status: criteria provided, multiple submitters, no conflicts (2 of 4 stars). 5 submissions from 5 submitters: Likely pathogenic (5). Last evaluated 2025-05-08.

Conditions:
Autosomal recessive nonsyndromic hearing loss 84B. Also called: Deafness, autosomal recessive 84b. Identifiers: Orphanet 90636, MedGen C3554159, MONDO:0013984, OMIM 614944.

Allele frequency attached by ClinVar (database versions not stated): gnomAD 0.00001; TOPMed 0.00001; ExAC 0.00002; gnomAD exomes 0.00003.
gnomAD v4.1: 28 of 1,609,926 alleles (0.0017%); highest among the groups gnomAD compares: Middle Eastern, 0.017%; no homozygotes.

Submissions (5):

Revvity Omics, Revvity
Classification: Likely pathogenic for Autosomal recessive nonsyndromic hearing loss 84B. Last evaluated: 2025-05-08. Review status: criteria provided, single submitter. Criteria: ACMG Guidelines, 2015. Collection method: clinical testing. Allele origin: germline.

Labcorp Genetics (formerly Invitae), Labcorp
Classification: Likely pathogenic. Last evaluated: 2024-02-27. Review status: criteria provided, single submitter. Criteria: Invitae Variant Classification Sherloc (09022015). Collection method: clinical testing. Allele origin: germline.
Comment: This sequence change affects an acceptor splice site in intron 17 of the OTOGL gene. It is expected to disrupt RNA splicing. Variants that disrupt the donor or acceptor splice site typically lead to a loss of protein function (PMID: 16199547), and loss-of-function variants in OTOGL are known to be pathogenic (PMID: 23122586). This variant is present in population databases (rs777911261, gnomAD 0.006%). This variant has not been reported in the literature in individuals affected with OTOGL-related conditions. ClinVar contains an entry for this variant (Variation ID: 432016). Algorithms developed to predict the effect of sequence changes on RNA splicing suggest that this variant may disrupt the consensus splice site. In summary, the currently available evidence indicates that the variant is pathogenic, but additional data are needed to prove that conclusively. Therefore, this variant has been classified as Likely Pathogenic.

Department of Pathology and Laboratory Medicine, Sinai Health System
Classification: Likely pathogenic for Autosomal recessive nonsyndromic hearing loss 84B. Last evaluated: 2023-01-11. Review status: criteria provided, single submitter. Criteria: ACMG Guidelines, 2015. Collection method: research. Allele origin: germline.

Fulgent Genetics
Classification: Likely pathogenic for Autosomal recessive nonsyndromic hearing loss 84B. Last evaluated: 2021-08-25. Review status: criteria provided, single submitter. Criteria: ACMG Guidelines, 2015. Collection method: clinical testing. Allele origin: unknown.

GeneDx
Classification: Likely pathogenic. Last evaluated: 2017-06-12. Review status: criteria provided, single submitter. Criteria: GeneDx Variant Classification (06012015). Collection method: clinical testing. Allele origin: germline. Affected: yes.
Comment: The c.1863-1G>T variant in the OTOGL gene has been reported previously in an individual with autism spectrum disorder who also harbored the R1808X variant in the OTOGL gene, however, familial segregation information and additional clinical information were not included (Lim et al., 2013). The c.1863-1G>T splice site variant destroys the canonical splice acceptor site in intron 17. It is predicted to cause abnormal gene splicing, either leading to an abnormal message that is subject to nonsense-mediated mRNA decay, or to an abnormal protein product if the message is used for protein translation. The c.1863-1G>T variant is not observed at a significant frequency in large population cohorts (Lek et al., 2016; 1000 Genomes Consortium et al., 2015; Exome Variant Server). We interpret c.1863-1G>T as a likely pathogenic variant.

Literature cited by the submitters: PubMed 16199547 (cited by Labcorp Genetics (formerly Invitae), Labcorp); PubMed 23122586 (cited by Labcorp Genetics (formerly Invitae), Labcorp).